The following is an entry in ClinVar:

NM_006030.4(CACNA2D2):c.1913G>T (p.Gly638Val)

Gene: CACNA2D2 (calcium voltage-gated channel auxiliary subunit alpha2delta 2; minus strand). Cytogenetic location: 3p21.31.
Variant type: single nucleotide variant.
Coding change: c.1913G>T on transcript NM_006030.4 (MANE Select); coding-DNA position 1913, G replaced by T.
Protein change: p.Gly638Val; replaces glycine 638 with valine.
Molecular consequence: missense variant.
Genome position (GRCh38, 1-based): chr3:50,374,808, C>A on the plus strand (G>T on the coding strand, the complement: CACNA2D2 is on the minus strand). VCF-style: chr3-50374808-C-A. GRCh37 (hg19) VCF-style: chr3-50412239-C-A.
Other names: c.1913G>T, p.Gly638Val (NM_001005505.3, NM_001174051.3); c.1706G>T, p.Gly569Val (NM_001291101.1); short protein forms G569V, G638V.
Identifiers: ClinVar variation 837952 (VCV000837952.7), dbSNP rs1704885246, ClinGen allele CA352922286.
Genomic context (GRCh38, chr3:50,374,808, plus strand): 5'-AGGATCTGGTCACTGAGATTGGCTTGGAGGTAGAAGGTGCTGTAGGGTGGGAGCACCAGC[C>A]CCAGGCTGAGGGGGGAGAAGCTCGGGTCACGGCTGGGGGGAGGCGGGCCACACTGGCACC-3'
Protein context (NP_006021.2, residues 628-648): VPIRSTNYSL[Gly638Val]LVLPPYSTFY

ClinVar aggregate classification (germline): Uncertain significance (1 of 4 stars; one submission).

Conditions:
Early-infantile DEE. Also called: Ohtahara syndrome; Early infantile epileptic encephalopathy with suppression bursts; Early infantile epileptic encephalopathy. Identifiers: Orphanet 1934, MedGen C0393706, MONDO:0800491.

Allele frequency attached by ClinVar (database versions not stated): gnomAD exomes 0.00001.
gnomAD v4.1: 9 of 1,590,152 alleles (0.00057%); highest among the groups gnomAD compares: Non-Finnish European, 0.00077%; no homozygotes.

Submission:

Labcorp Genetics (formerly Invitae), Labcorp
Classification: Uncertain significance for Early-infantile DEE. Last evaluated: 2020-03-05. Review status: criteria provided, single submitter. Criteria: Invitae Variant Classification Sherloc (09022015). Collection method: clinical testing. Allele origin: germline.
Comment: This sequence change replaces glycine with valine at codon 638 of the CACNA2D2 protein (p.Gly638Val). The glycine residue is moderately conserved and there is a moderate physicochemical difference between glycine and valine. This variant is not present in population databases (ExAC no frequency). This variant has not been reported in the literature in individuals with CACNA2D2-related conditions. Algorithms developed to predict the effect of missense changes on protein structure and function are either unavailable or do not agree on the potential impact of this missense change (SIFT: "Deleterious"; PolyPhen-2: "Possibly Damaging"; Align-GVGD: "Class C0"). In summary, the available evidence is currently insufficient to determine the role of this variant in disease. Therefore, it has been classified as a Variant of Uncertain Significance.